The following is an entry in ClinVar:

ClinVar aggregate classification (germline): Uncertain significance. Review status: criteria provided, multiple submitters, no conflicts (2 of 4 stars). 6 submissions from 6 submitters: Uncertain significance (6). Last evaluated 2025-11-10.

Conditions:
Familial adenomatous polyposis 1 (FAP1). Also called: FAMILIAL ADENOMATOUS POLYPOSIS 1, ATTENUATED; POLYPOSIS, ADENOMATOUS INTESTINAL. Identifiers: MedGen C2713442, MONDO:0021056, OMIM 175100. Disease mechanism: loss of function.
Hepatocellular carcinoma (HCC). Also called: Primary carcinoma of liver; HEPATOMA; LIVER CELL CARCINOMA. Identifiers: Orphanet 88673, MedGen C2239176, MONDO:0007256, OMIM 114550, HP:0001402.
Desmoid disease, hereditary (DESMD). Also called: FIBROMATOSIS, FAMILIAL INFILTRATIVE. Identifiers: Orphanet 873, MedGen C1851124, OMIM 135290. Disease mechanism: loss of function.
Gastric adenocarcinoma and proximal polyposis of the stomach (GAPPS). Also called: POLYPOSIS, GASTRIC; Gastric Adenocarcinoma and Proximal Polyposis of the Stomach (GAPPS); Polyposis, gastric, Dos Santos and de Magalhaes 1980. Identifiers: Orphanet 314022, MedGen C4749917, MONDO:0017790, OMIM 619182.
Gastric cancer. Also called: Stomach cancer; Malignant tumor of stomach. Identifiers: MedGen C0024623, MeSH D013274, MONDO:0001056, OMIM 613659, HP:0012126.
Colorectal cancer. Also called: Colorectal cancer, somatic; Malignant Colorectal Neoplasm. Identifiers: MedGen C0346629, MONDO:0005575, OMIM 114500.
Hereditary cancer-predisposing syndrome. Also called: Tumor predisposition; Hereditary neoplastic syndrome; Hereditary Cancer Syndrome; Neoplastic Syndromes, Hereditary. Identifiers: Orphanet 140162, MedGen C0027672, MeSH D009386, MONDO:0015356.

Allele frequency attached by ClinVar (database versions not stated): gnomAD exomes below 0.00001; ESP Exome Variant Server 0.00008.
gnomAD v4.1: 6 of 1,614,158 alleles (0.00037%); highest among the groups gnomAD compares: Non-Finnish European, 0.00051%; no homozygotes.

Submissions (6):

Labcorp Genetics (formerly Invitae), Labcorp
Classification: Uncertain significance for Familial adenomatous polyposis 1. Last evaluated: 2025-11-10. Review status: criteria provided, single submitter. Criteria: Invitae Variant Classification Sherloc (09022015). Collection method: clinical testing. Allele origin: germline.
Comment: This sequence change replaces asparagine, which is neutral and polar, with serine, which is neutral and polar, at codon 1122 of the APC protein (p.Asn1122Ser). This variant is not present in population databases (gnomAD no frequency). This variant has not been reported in the literature in individuals affected with APC-related conditions. ClinVar contains an entry for this variant (Variation ID: 490261). Invitae Evidence Modeling of protein sequence and biophysical properties (such as structural, functional, and spatial information, amino acid conservation, physicochemical variation, residue mobility, and thermodynamic stability) indicates that this missense variant is not expected to disrupt APC protein function with a negative predictive value of 95%. In summary, the available evidence is currently insufficient to determine the role of this variant in disease. Therefore, it has been classified as a Variant of Uncertain Significance.

Color Diagnostics, LLC DBA Color Health
Classification: Uncertain significance for Hereditary cancer-predisposing syndrome. Last evaluated: 2025-07-30. Review status: criteria provided, single submitter. Criteria: ACMG Guidelines, 2015. Collection method: clinical testing. Allele origin: germline.
Comment: This missense variant replaces asparagine with serine at codon 1122 of the APC protein. Computational prediction suggests that this variant may not impact protein structure and function. To our knowledge, functional studies have not been reported for this variant. This variant has not been reported in individuals affected with APC-related disorders in the literature. This variant has not been identified in the general population by the Genome Aggregation Database (gnomAD). The available evidence is insufficient to determine the role of this variant in disease conclusively. Therefore, this variant is classified as a Variant of Uncertain Significance.

GeneDx
Classification: Uncertain significance. Last evaluated: 2024-03-15. Review status: criteria provided, single submitter. Criteria: GeneDx Variant Classification Process June 2021. Collection method: clinical testing. Allele origin: germline. Affected: yes.
Comment: Not observed at significant frequency in large population cohorts (gnomAD); In silico analysis supports that this missense variant does not alter protein structure/function; Observed in a patient with sarcoma (PMID: 27498913); This variant is associated with the following publications: (PMID: 27498913, 18199528, 30267214, 31422818)

Ambry Genetics
Classification: Uncertain significance for Hereditary cancer-predisposing syndrome. Last evaluated: 2024-03-08. Review status: criteria provided, single submitter. Criteria: Ambry Variant Classification Scheme 2023. Collection method: clinical testing. Allele origin: germline.
Comment: The p.N1122S variant (also known as c.3365A>G), located in coding exon 15 of the APC gene, results from an A to G substitution at nucleotide position 3365. The asparagine at codon 1122 is replaced by serine, an amino acid with highly similar properties. In one study, this alteration was identified in 1/1162 sarcoma patients; however, no features of familial adenomatous polyposis were mentioned by the study authors (Ballinger ML et al. Lancet Oncol, 2016 Sep;17:1261-71). In another study, this variant was detected in 0/165 colorectal cancer and/or polyposis patients and was identified in 1/2512 control individuals from a healthy population database (Rosenthal EA et al. Hum Genet, 2018 Oct;137:795-806). Additionally, this alteration was detected in a study of 1,165 individuals with a history of colorectal cancer or colon polyps as well as 590 controls (Gordon AS et al. Am J Hum Genet, 2019 09;105:526-533). This amino acid position is highly conserved in available vertebrate species. In addition, in silico predictors for this gene do not accurately predict pathogenicity. Since supporting evidence is limited at this time, the clinical significance of this alteration remains unclear.

Fulgent Genetics
Classification: Uncertain significance for Colorectal cancer; Hepatocellular carcinoma; Desmoid disease, hereditary; Familial adenomatous polyposis 1; Gastric cancer; Gastric adenocarcinoma and proximal polyposis of the stomach. Last evaluated: 2022-04-07. Review status: criteria provided, single submitter. Criteria: ACMG Guidelines, 2015. Collection method: clinical testing. Allele origin: unknown.

Laboratory for Molecular Medicine, Mass General Brigham Personalized Medicine
Classification: Uncertain significance. Last evaluated: 2016-12-21. Review status: criteria provided, single submitter. Criteria: LMM Criteria. Collection method: clinical testing. Allele origin: germline. Observed: 1 variant allele.
Comment: The p.Asn1122Ser variant in APC has not been previously reported in individuals with APC-associated polyposis, but has been identified in 1/8600 European chromo somes by the NHLBI Exome Sequencing Project (dbSNP rs372855304). Computational prediction tools and conservation analysis sug gest that the p.Asn1122Ser variant may not impact the protein, though this infor mation is not predictive enough to rule out pathogenicity. In summary, the clini cal significance of the p.Asn1122Ser variant is uncertain.

Literature cited by the submitters: PubMed 27498913 (cited by Ambry Genetics); PubMed 30267214 (cited by Ambry Genetics); PubMed 31422818 (cited by Ambry Genetics).

NM_000038.6(APC):c.3365A>G (p.Asn1122Ser)

Gene: APC (APC regulator of Wnt signaling pathway; plus strand). Cytogenetic location: 5q22.2.
Variant type: single nucleotide variant.
Coding change: c.3365A>G on transcript NM_000038.6 (MANE Select); coding-DNA position 3365, A replaced by G.
Protein change: p.Asn1122Ser; replaces asparagine 1122 with serine.
Molecular consequence: missense variant.
Genome position (GRCh38, 1-based): chr5:112,838,959, A>G. VCF-style: chr5-112838959-A-G. GRCh37 (hg19) VCF-style: chr5-112174656-A-G.
Other names: c.3365A>G, p.Asn1122Ser (NM_001127510.3, NM_001354895.2); c.3311A>G, p.Asn1104Ser (NM_001127511.3); c.3419A>G, p.Asn1140Ser (NM_001354896.2); c.3395A>G, p.Asn1132Ser (NM_001354897.2); c.3290A>G, p.Asn1097Ser (NM_001354898.2); c.3281A>G, p.Asn1094Ser (NM_001354899.2); c.3242A>G, p.Asn1081Ser (NM_001354900.2); c.3188A>G, p.Asn1063Ser (NM_001354901.2); and 5 more; short protein forms N1104S, N1122S, N1031S, N1063S, N1081S, N1097S, N1021S, N1132S.
Identifiers: ClinVar variation 490261 (VCV000490261.23), dbSNP rs372855304, ClinGen allele CA16028705.
Genomic context (GRCh38, chr5:112,838,959, plus strand): 5'-ACAGGTCACGGGGAGCCAATGGTTCAGAAACAAATCGAGTGGGTTCTAATCATGGAATTA[A>G]TCAAAATGTAAGCCAGTCTTTGTGTCAAGAAGATGACTATGAAGATGATAAGCCTACCAA-3'
Protein context (NP_000029.2, residues 1112-1132): TNRVGSNHGI[Asn1122Ser]QNVSQSLCQE